The following is an entry in ClinVar:

ClinVar aggregate classification (germline): Uncertain significance (1 of 4 stars; one submission).

Conditions:
Inborn genetic diseases. Identifiers: MedGen C0950123, MeSH D030342.

gnomAD v4.1: 16 of 1,613,684 alleles (0.00099%); highest among the groups gnomAD compares: Non-Finnish European, 0.0014%; no homozygotes.

Submission:

Ambry Genetics
Classification: Uncertain significance for Inborn genetic diseases. Last evaluated: 2025-10-07. Review status: criteria provided, single submitter. Criteria: Ambry Variant Classification Scheme 2023. Collection method: clinical testing. Allele origin: germline.
Comment: The p.S2W variant (also known as c.5C>G), located in coding exon 1 of the SBDS gene, results from a C to G substitution at nucleotide position 5. The serine at codon 2 is replaced by tryptophan, an amino acid with highly dissimilar properties. This amino acid position is conserved. In addition, this alteration is predicted to be deleterious by in silico analysis. Based on the available evidence, the clinical significance of this variant remains unclear.

NM_016038.4(SBDS):c.5C>G (p.Ser2Trp)

Gene: SBDS (SBDS ribosome maturation factor; minus strand). Cytogenetic location: 7q11.21.
Variant type: single nucleotide variant.
Coding change: c.5C>G on transcript NM_016038.4 (MANE Select); coding-DNA position 5, C replaced by G.
Protein change: p.Ser2Trp; replaces serine 2 with tryptophan.
Molecular consequence: missense variant.
Genome position (GRCh38, 1-based): chr7:66,995,413, G>C on the plus strand (C>G on the coding strand, the complement: SBDS is on the minus strand). VCF-style: chr7-66995413-G-C. GRCh37 (hg19) VCF-style: chr7-66460400-G-C.
Other names: short protein forms S2W.
Identifiers: ClinVar variation 4630222 (VCV004630222.1).